The following is an entry in ClinVar:

NM_033026.6(PCLO):c.6541A>G (p.Thr2181Ala)

Gene: PCLO (piccolo presynaptic cytomatrix protein; minus strand). Cytogenetic location: 7q21.11.
Variant type: single nucleotide variant.
Coding change: c.6541A>G on transcript NM_033026.6 (MANE Select); coding-DNA position 6541, A replaced by G.
Protein change: p.Thr2181Ala; replaces threonine 2181 with alanine.
Molecular consequence: missense variant.
Genome position (GRCh38, 1-based): chr7:82,954,412, T>C on the plus strand (A>G on the coding strand, the complement: PCLO is on the minus strand). VCF-style: chr7-82954412-T-C. GRCh37 (hg19) VCF-style: chr7-82583728-T-C.
Other names: c.6541A>G, p.Thr2181Ala (NM_014510.3); short protein forms T2181A.
Identifiers: ClinVar variation 2047771 (VCV002047771.4), dbSNP rs1795452901, ClinGen allele CA367919088.
Genomic context (GRCh38, chr7:82,954,412, plus strand): 5'-TAATGGGTGAAGAGCTATCTGTGGTACAGACCGAAGAAACAGATGATGTGAGAGAAGGTG[T>C]GTCAGAGGGTGGGACAGATGTAGCACTTTCTGAAGGCTCCGAGTAGGTCAAAATCAGCGA-3'
Protein context (NP_149015.2, residues 2171-2191): ESATSVPPSD[Thr2181Ala]PSLTSSVSSV

ClinVar aggregate classification (germline): Uncertain significance (1 of 4 stars; one submission).

gnomAD v4.1: 1 of 1,613,940 alleles (0.000062%); highest among the groups gnomAD compares: Non-Finnish European, 0.000085%; no homozygotes.

Submission:

Labcorp Genetics (formerly Invitae), Labcorp
Classification: Uncertain significance. Last evaluated: 2022-10-07. Review status: criteria provided, single submitter. Criteria: Invitae Variant Classification Sherloc (09022015). Collection method: clinical testing. Allele origin: germline.
Comment: Algorithms developed to predict the effect of missense changes on protein structure and function are either unavailable or do not agree on the potential impact of this missense change (SIFT: "Deleterious"; PolyPhen-2: "Not Available"; Align-GVGD: "Class C0"). In summary, the available evidence is currently insufficient to determine the role of this variant in disease. Therefore, it has been classified as a Variant of Uncertain Significance. This variant has not been reported in the literature in individuals affected with PCLO-related conditions. This variant is not present in population databases (gnomAD no frequency). This sequence change replaces threonine, which is neutral and polar, with alanine, which is neutral and non-polar, at codon 2181 of the PCLO protein (p.Thr2181Ala).